The following is an entry in ClinVar:

ClinVar aggregate classification (germline): Uncertain significance. Review status: criteria provided, multiple submitters, no conflicts (2 of 4 stars). 5 submissions from 5 submitters: Uncertain significance (5). Last evaluated 2024-03-16.

Conditions:
Cardiovascular phenotype. Identifiers: MedGen CN230736.
Walker-Warburg congenital muscular dystrophy. Also called: Muscular dystrophy-dystroglycanopathy, type A; Walker-Warburg syndrome. Identifiers: Orphanet 899, MedGen C0265221, MONDO:0000171.

Allele frequency attached by ClinVar (database versions not stated): gnomAD exomes below 0.00001; TOPMed below 0.00001.
gnomAD v4.1: 3 of 1,612,104 alleles (0.00019%); highest among the groups gnomAD compares: Non-Finnish European, 0.00017%; no homozygotes.

Submissions (5):

Ambry Genetics
Classification: Uncertain significance for Cardiovascular phenotype. Last evaluated: 2024-03-16. Review status: criteria provided, single submitter. Criteria: Ambry Variant Classification Scheme 2023. Collection method: clinical testing. Allele origin: germline.
Comment: The p.F20V variant (also known as c.58T>G), located in coding exon 1 of the FKTN gene, results from a T to G substitution at nucleotide position 58. The phenylalanine at codon 20 is replaced by valine, an amino acid with highly similar properties. This amino acid position is conserved. In addition, this alteration is predicted to be deleterious by in silico analysis. Based on the available evidence, the clinical significance of this alteration remains unclear.

Labcorp Genetics (formerly Invitae), Labcorp
Classification: Uncertain significance for Walker-Warburg congenital muscular dystrophy. Last evaluated: 2024-02-17. Review status: criteria provided, single submitter. Criteria: Invitae Variant Classification Sherloc (09022015). Collection method: clinical testing. Allele origin: germline.
Comment: This sequence change replaces phenylalanine, which is neutral and non-polar, with valine, which is neutral and non-polar, at codon 20 of the FKTN protein (p.Phe20Val). This variant is not present in population databases (gnomAD no frequency). This missense change has been observed in individual(s) with LBBB, PVC, atrial fibrillation, nonischemic cardiomyopathy (Invitae). ClinVar contains an entry for this variant (Variation ID: 459222). Advanced modeling of protein sequence and biophysical properties (such as structural, functional, and spatial information, amino acid conservation, physicochemical variation, residue mobility, and thermodynamic stability) performed at Invitae indicates that this missense variant is not expected to disrupt FKTN protein function with a negative predictive value of 80%. In summary, the available evidence is currently insufficient to determine the role of this variant in disease. Therefore, it has been classified as a Variant of Uncertain Significance.

GeneDx
Classification: Uncertain significance. Last evaluated: 2021-04-06. Review status: criteria provided, single submitter. Criteria: GeneDx Variant Classification Process June 2021. Collection method: clinical testing. Allele origin: germline. Affected: yes.
Comment: Not observed in large population cohorts (Lek et al., 2016); In silico analysis supports that this missense variant has a deleterious effect on protein structure/function; Has not been previously published as pathogenic or benign to our knowledge

Revvity Omics, Revvity
Classification: Uncertain significance. Last evaluated: 2019-10-01. Review status: criteria provided, single submitter. Criteria: ACMG Guidelines, 2015. Collection method: clinical testing. Allele origin: germline.

Eurofins Ntd Llc (ga)
Classification: Uncertain significance. Last evaluated: 2017-12-05. Review status: criteria provided, single submitter. Criteria: EGL Classification Definitions 2015. Collection method: clinical testing. Allele origin: germline. Observed: 1 variant allele, 1 heterozygote.

NM_001079802.2(FKTN):c.58T>G (p.Phe20Val)

Gene: FKTN (fukutin; plus strand). Cytogenetic location: 9q31.2.
Variant type: single nucleotide variant.
Coding change: c.58T>G on transcript NM_001079802.2 (MANE Select); coding-DNA position 58, T replaced by G.
Protein change: p.Phe20Val; replaces phenylalanine 20 with valine.
Molecular consequence: missense variant. On other transcripts: 5 prime UTR variant (5), non-coding transcript variant (2).
Genome position (GRCh38, 1-based): chr9:105,575,090, T>G. VCF-style: chr9-105575090-T-G. GRCh37 (hg19) VCF-style: chr9-108337371-T-G.
Other names: c.58T>G, p.Phe20Val (NM_001198963.2, NM_001351496.2, NM_001351498.2 and 1 more transcripts); c.-110T>G (NM_001351497.2); c.-457T>G (NM_001351499.2, NM_001351500.2, NM_001351501.2 and 1 more transcripts); short protein forms F20V.
Identifiers: ClinVar variation 459222 (VCV000459222.14), dbSNP rs1554731003, ClinGen allele CA374330897.